The following is an entry in ClinVar:

NM_006206.6(PDGFRA):c.590A>T (p.Lys197Met)

Gene: PDGFRA (platelet derived growth factor receptor alpha; plus strand). Cytogenetic location: 4q12.
Variant type: single nucleotide variant.
Coding change: c.590A>T on transcript NM_006206.6 (MANE Select); coding-DNA position 590, A replaced by T.
Protein change: p.Lys197Met; replaces lysine 197 with methionine.
Molecular consequence: missense variant.
Genome position (GRCh38, 1-based): chr4:54,263,889, A>T. VCF-style: chr4-54263889-A-T. GRCh37 (hg19) VCF-style: chr4-55130056-A-T.
Other names: c.590A>T, p.Lys197Met (NM_001347827.2, NM_001347829.2); c.665A>T, p.Lys222Met (NM_001347828.2); c.629A>T, p.Lys210Met (NM_001347830.2); short protein forms K222M, K210M, K197M.
Identifiers: ClinVar variation 3305479 (VCV003305479.1).

ClinVar aggregate classification (germline): Uncertain significance (1 of 4 stars; one submission).

Conditions:
Hereditary cancer-predisposing syndrome. Also called: Tumor predisposition; Hereditary Cancer Syndrome; Hereditary neoplastic syndrome; Neoplastic Syndromes, Hereditary. Identifiers: Orphanet 140162, MedGen C0027672, MeSH D009386, MONDO:0015356.

Submission:

Ambry Genetics
Classification: Uncertain significance for Hereditary cancer-predisposing syndrome. Last evaluated: 2024-05-04. Review status: criteria provided, single submitter. Criteria: Ambry Variant Classification Scheme 2023. Collection method: clinical testing. Allele origin: germline.
Comment: The p.K197M variant (also known as c.590A>T), located in coding exon 3 of the PDGFRA gene, results from an A to T substitution at nucleotide position 590. The lysine at codon 197 is replaced by methionine, an amino acid with similar properties. This amino acid position is conserved. In addition, this alteration is predicted to be tolerated by in silico analysis. Based on the available evidence, the clinical significance of this variant remains unclear.